The following is an entry in ClinVar:

NM_001182.5(ALDH7A1):c.108G>T (p.Gln36His)

Gene: ALDH7A1 (aldehyde dehydrogenase 7 family member A1; minus strand). Cytogenetic location: 5q23.2.
Variant type: single nucleotide variant.
Coding change: c.108G>T on transcript NM_001182.5 (MANE Select); coding-DNA position 108, G replaced by T.
Protein change: p.Gln36His; replaces glutamine 36 with histidine.
Molecular consequence: missense variant.
Genome position (GRCh38, 1-based): chr5:126,595,091, C>A on the plus strand (G>T on the coding strand, the complement: ALDH7A1 is on the minus strand). VCF-style: chr5-126595091-C-A. GRCh37 (hg19) VCF-style: chr5-125930783-C-A.
Other names: p.Q36H:CAG>CAT; c.24G>T, p.Gln8His (NM_001201377.2); c.108G>T, p.Gln36His (NM_001202404.2); short protein forms Q36H, Q8H.
Identifiers: ClinVar variation 204858 (VCV000204858.2), dbSNP rs779736481, ClinGen allele CA313223.

ClinVar aggregate classification (germline): Uncertain significance (1 of 4 stars; one submission).

Submission:

GeneDx
Classification: Uncertain significance. Last evaluated: 2012-10-01. Review status: criteria provided, single submitter. Criteria: GeneDx Variant Classification (06012015). Collection method: clinical testing. Allele origin: germline. Affected: yes.
Comment: p.Gln36His (CAG>CAT):c.108 G>T in exon 1 of the ALDH7A1 gene (NM_001182.3). The Gln36His missense change has not been published as a mutation, nor has it been reported as a benign polymorphism to our knowledge. The NHLBI ESP Exome Variant Project has not identified Gln36His in approximately 6,500 individuals of European or African American ethnicity, indicating that it is not a common benign variant in these populations. The amino acid substitution is non-conservative, as an uncharged Glutamine residue is replaced by a positively charged Histidine residue. However, Gln36His alters a position that is not highly conserved, and missense mutations have not been previously reported in this region of the protein. One in silico algorithm predicts Gln36His may be damaging to protein structure/function while other models predict it may be benign. Therefore, based on the currently available information, it is unclear whether Gln36His is a disease-causing mutation or a rare benign variant. The variant is found in EPILEPSY panel(s).